The following is an entry in ClinVar:

ClinVar aggregate classification (germline): Uncertain significance (1 of 4 stars; one submission).

Conditions:
Hereditary cancer-predisposing syndrome. Also called: Neoplastic Syndromes, Hereditary; Tumor predisposition; Hereditary neoplastic syndrome; Hereditary Cancer Syndrome. Identifiers: Orphanet 140162, MedGen C0027672, MeSH D009386, MONDO:0015356.

gnomAD v4.1: 1 of 1,614,156 alleles (0.000062%); highest among the groups gnomAD compares: Non-Finnish European, 0.000085%; no homozygotes.

Submission:

Ambry Genetics
Classification: Uncertain significance for Hereditary cancer-predisposing syndrome. Last evaluated: 2023-12-30. Review status: criteria provided, single submitter. Criteria: Ambry Variant Classification Scheme 2023. Collection method: clinical testing. Allele origin: germline.
Comment: The p.F1030S variant (also known as c.3089T>C), located in coding exon 26 of the POLE gene, results from a T to C substitution at nucleotide position 3089. The phenylalanine at codon 1030 is replaced by serine, an amino acid with highly dissimilar properties. This amino acid position is conserved. In addition, the in silico prediction for this alteration is inconclusive. Since supporting evidence is limited at this time, the clinical significance of this alteration remains unclear.

NM_006231.4(POLE):c.3089T>C (p.Phe1030Ser)

Gene: POLE (DNA polymerase epsilon, catalytic subunit; minus strand). Cytogenetic location: 12q24.33.
Variant type: single nucleotide variant.
Coding change: c.3089T>C on transcript NM_006231.4 (MANE Select); coding-DNA position 3089, T replaced by C.
Protein change: p.Phe1030Ser; replaces phenylalanine 1030 with serine.
Molecular consequence: missense variant.
Genome position (GRCh38, 1-based): chr12:132,659,481, A>G on the plus strand (T>C on the coding strand, the complement: POLE is on the minus strand). VCF-style: chr12-132659481-A-G. GRCh37 (hg19) VCF-style: chr12-133236067-A-G.
Other names: short protein forms F1030S.
Identifiers: ClinVar variation 3225434 (VCV003225434.1), dbSNP rs1565956275, ClinGen allele CA387391775.
Genomic context (GRCh38, chr12:132,659,481, plus strand): 5'-TTCTGCTCCCCGTAATCTTCCAGCTTCCGAGACATGGAACGGTTCTCAGAGATGAGCTCG[A>G]ATAGCTCAGAGTCAGGCATGTTGGCTGCCTAGAGAAAGACAATGGGTAAAACACTGCAGA-3'
Protein context (NP_006222.2, residues 1020-1040): KAANMPDSEL[Phe1030Ser]ELISENRSMS